The following is an entry in ClinVar:

ClinVar aggregate classification (germline): Conflicting classifications of pathogenicity. Review status: criteria provided, conflicting classifications (1 of 4 stars). 3 submissions from 3 submitters: Uncertain significance (1); Likely benign (2). Last evaluated 2025-12-27.

Conditions:
Autosomal recessive nonsyndromic hearing loss 3. Also called: NEUROSENSORY NONSYNDROMIC RECESSIVE DEAFNESS 3. Identifiers: Orphanet 90636, MedGen C1838263, MONDO:0010860, OMIM 600316.
MYO15A-related disorder. Also called: MYO15A-related condition.

Allele frequency attached by ClinVar (database versions not stated): ExAC 0.00003; TOPMed 0.00012; gnomAD 0.00013.
gnomAD v4.1: 332 of 1,612,212 alleles (0.021%); highest among the groups gnomAD compares: Non-Finnish European, 0.027%; 1 homozygote.

Submissions (3):

Labcorp Genetics (formerly Invitae), Labcorp
Classification: Likely benign. Last evaluated: 2025-12-27. Review status: criteria provided, single submitter. Criteria: Invitae Variant Classification Sherloc (09022015). Collection method: clinical testing. Allele origin: germline.

PreventionGenetics, part of Exact Sciences
Classification: Likely benign for MYO15A-related condition. Last evaluated: 2025-12-23. Review status: criteria provided, single submitter. Criteria: ACMG Guidelines, 2015. Collection method: clinical testing. Allele origin: germline.
Comment: This variant is classified as likely benign based on ACMG/AMP sequence variant interpretation guidelines (Richards et al. 2015 PMID: 25741868, with internal and published modifications).

Illumina Laboratory Services, Illumina
Classification: Uncertain significance for Autosomal recessive nonsyndromic hearing loss 3. Last evaluated: 2018-01-13. Review status: criteria provided, single submitter. Criteria: ICSL Variant Classification Criteria 13 December 2019. Collection method: clinical testing. Allele origin: germline.

NM_016239.4(MYO15A):c.447G>C (p.Ser149=)

Gene: MYO15A (myosin XVA; plus strand). Cytogenetic location: 17p11.2.
Variant type: single nucleotide variant.
Coding change: c.447G>C on transcript NM_016239.4 (MANE Select); coding-DNA position 447, G replaced by C.
Protein change: p.Ser149=; no amino-acid change (serine 149 retained).
Molecular consequence: synonymous variant.
Genome position (GRCh38, 1-based): chr17:18,119,247, G>C. VCF-style: chr17-18119247-G-C. GRCh37 (hg19) VCF-style: chr17-18022561-G-C.
Identifiers: ClinVar variation 322108 (VCV000322108.12), dbSNP rs762721401, ClinGen allele CA8422842.
Genomic context (GRCh38, chr17:18,119,247, plus strand): 5'-AGCGTCCACGGCCATCAACTGGCTCACAAAAAAGTTCCTCCTCAAGAAGGCCGAGGAGTC[G>C]GGCAGCGAACAGGCCACAGTGGACGCCTGGCTGCAGCGCTCGAGCTCCCGCATGGGCTCC-3'
Protein context (NP_057323.3, residues 139-159): KKFLLKKAEE[Ser149=]GSEQATVDAW